The following is an entry in ClinVar:

NM_014270.5(SLC7A9):c.1119G>A (p.Ser373=)

Gene: SLC7A9 (solute carrier family 7 member 9; minus strand). Cytogenetic location: 19q13.11.
Variant type: single nucleotide variant.
Coding change: c.1119G>A on transcript NM_014270.5 (MANE Select); coding-DNA position 1119, G replaced by A.
Protein change: p.Ser373=; no amino-acid change (serine 373 retained).
Molecular consequence: synonymous variant.
Genome position (GRCh38, 1-based): chr19:32,842,273, C>T on the plus strand (G>A on the coding strand, the complement: SLC7A9 is on the minus strand). VCF-style: chr19-32842273-C-T. GRCh37 (hg19) VCF-style: chr19-33333179-C-T.
Other names: p.Ser373=; c.1119G>A, p.Ser373= (NM_001126335.2, NM_001243036.2).
Identifiers: ClinVar variation 784640 (VCV000784640.17), dbSNP rs111630604, ClinGen allele CA9358489.

ClinVar aggregate classification (germline): Benign/Likely benign. Review status: criteria provided, multiple submitters, no conflicts (2 of 4 stars). 5 submissions from 5 submitters: Benign (2); Likely benign (3). Last evaluated 2025-12-17.

Conditions:
Cystinuria (CSNU). Also called: Cystinuria, non-type I; CYSTINURIA, TYPE I; CYSTINURIA, TYPE II; CYSTINURIA, TYPE III. Identifiers: Orphanet 214, MedGen C0010691, MONDO:0009067, OMIM 220100, HP:0003131.

Allele frequency attached by ClinVar (database versions not stated): gnomAD exomes 0.00246; ExAC 0.00302; gnomAD 0.00855 and 0.00913; 1000 Genomes Project 30x 0.00890; TOPMed 0.00987; 1000 Genomes Project 0.00998; ESP Exome Variant Server 0.01107.
gnomAD v4.1: 2,622 of 1,613,852 alleles (0.16%); highest among the groups gnomAD compares: African/African-American, 2.9%; 44 homozygotes.

Submissions (5):

Labcorp Genetics (formerly Invitae), Labcorp
Classification: Benign. Last evaluated: 2025-12-17. Review status: criteria provided, single submitter. Criteria: Invitae Variant Classification Sherloc (09022015). Collection method: clinical testing. Allele origin: germline.

Mayo Clinic Laboratories, Mayo Clinic
Classification: Benign. Last evaluated: 2025-09-04. Review status: criteria provided, single submitter. Criteria: ACMG Guidelines, 2015. Collection method: clinical testing. Allele origin: germline. Observed: 3 variant alleles.
Comment: BS1, BS2

Fulgent Genetics
Classification: Likely benign for Cystinuria. Last evaluated: 2021-10-20. Review status: criteria provided, single submitter. Criteria: ACMG Guidelines, 2015. Collection method: clinical testing. Allele origin: unknown.

Illumina Laboratory Services, Illumina
Classification: Likely benign for Cystinuria. Last evaluated: 2017-04-27. Review status: criteria provided, single submitter. Criteria: ICSL Variant Classification Criteria 13 December 2019. Collection method: clinical testing. Allele origin: germline.
Comment: This variant was observed as part of a predisposition screen in an ostensibly healthy population. A literature search was performed for the gene, cDNA change, and amino acid change (where applicable). No publications were found based on this search. Allele frequency data from public databases allowed determination this variant is unlikely to cause disease. Therefore, this variant is classified as likely benign.

Breakthrough Genomics
Classification: Likely benign. Review status: criteria provided, single submitter. Criteria: ACMG Guidelines, 2015. Collection method: not provided. Allele origin: germline. Inheritance: Autosomal dominant inheritance. Affected: yes.

Literature cited by the submitters: PubMed 21255007 (cited by Mayo Clinic Laboratories, Mayo Clinic).